The following is an entry in ClinVar:

NM_001252024.2(TRPM1):c.2779G>C (p.Val927Leu)

Genes: TRPM1-AS1 (TRPM1 antisense RNA 1; plus strand), TRPM1 (transient receptor potential cation channel subfamily M member 1; minus strand). Cytogenetic location: 15q13.3.
Variant type: single nucleotide variant.
Coding change: c.2779G>C on transcript NM_001252024.2 (MANE Select); coding-DNA position 2779, G replaced by C.
Protein change: p.Val927Leu; replaces valine 927 with leucine.
Molecular consequence: missense variant.
Genome position (GRCh38, 1-based): chr15:31,032,862, C>G on the plus strand (G>C on the coding strand, the complement: TRPM1 is on the minus strand). VCF-style: chr15-31032862-C-G. GRCh37 (hg19) VCF-style: chr15-31325065-C-G.
Other names: c.2830G>C, p.Val944Leu (NM_001252020.2); c.2713G>C, p.Val905Leu (NM_002420.6); short protein forms V905L, V927L, V944L.
Identifiers: ClinVar variation 1474321 (VCV001474321.8), dbSNP rs776205185, ClinGen allele CA391546311.

ClinVar aggregate classification (germline): Uncertain significance (1 of 4 stars; one submission).

gnomAD v4.1: 14 of 1,614,064 alleles (0.00087%); highest among the groups gnomAD compares: Non-Finnish European, 0.0012%; no homozygotes.

Submission:

Labcorp Genetics (formerly Invitae), Labcorp
Classification: Uncertain significance. Last evaluated: 2021-12-20. Review status: criteria provided, single submitter. Criteria: Invitae Variant Classification Sherloc (09022015). Collection method: clinical testing. Allele origin: germline.
Comment: This sequence change replaces valine, which is neutral and non-polar, with leucine, which is neutral and non-polar, at codon 905 of the TRPM1 protein (p.Val905Leu). In summary, the available evidence is currently insufficient to determine the role of this variant in disease. Therefore, it has been classified as a Variant of Uncertain Significance. Algorithms developed to predict the effect of missense changes on protein structure and function are either unavailable or do not agree on the potential impact of this missense change (SIFT: "Tolerated"; PolyPhen-2: "Possibly Damaging"; Align-GVGD: "Class C0"). This variant has not been reported in the literature in individuals affected with TRPM1-related conditions. This variant is present in population databases (no rsID available, gnomAD 0.0009%).